The following is an entry in ClinVar:

NM_173543.3(DZIP1L):c.1586_1587del (p.Val529fs)

Gene: DZIP1L (DAZ interacting zinc finger protein 1 like; minus strand). Cytogenetic location: 3q22.3.
Variant type: Microsatellite.
Coding change: c.1586_1587del on transcript NM_173543.3 (MANE Select); coding-DNA positions 1586 to 1587, 2 bases deleted (TG; older notation c.1586_1587delTG).
Protein change: p.Val529fs; shifts the reading frame from valine 529.
Molecular consequence: frameshift variant.
Genome position (GRCh38, 1-based): chr3:138,071,671-138,071,672, CA deleted on the plus strand (TG on the coding strand, the reverse complement: DZIP1L is on the minus strand); deleting any 2 consecutive bases within chr3:138,071,671-138,071,674 gives the same sequence; the c. name uses the placement nearest the transcript's 3' end. VCF-style (leftmost placement, unchanged base first): chr3-138071670-CCA-C. GRCh37 (hg19) VCF-style: chr3-137790512-CCA-C.
Other names: c.1586_1587del, p.Val529fs (NM_001170538.1); short protein forms V529fs.
Identifiers: ClinVar variation 5006551 (VCV005006551.2).

ClinVar aggregate classification (germline): Likely pathogenic (1 of 4 stars; one submission).

Conditions:
Polycystic kidney disease 5. Identifiers: MedGen C4539903, MONDO:0033281, OMIM 617610.

Submission:

Juno Genomics, Hangzhou Juno Genomics, Inc
Classification: Likely pathogenic for Polycystic kidney disease 5. Review status: criteria provided, single submitter. Criteria: ACMG Guidelines, 2015. Collection method: clinical testing. Allele origin: germline.
Comment: Null variant in a gene where loss of function (LOF) is a known mechanism of disease.;Absent from controls (or at extremely low frequency if recessive) in Genome Aggregation Database.